The following is an entry in ClinVar:

NM_001042424.3(NSD2):c.3295G>A (p.Glu1099Lys)

Gene: NSD2 (nuclear receptor binding SET domain protein 2; plus strand). Cytogenetic location: 4p16.3.
Variant type: single nucleotide variant.
Coding change: c.3295G>A on transcript NM_001042424.3 (MANE Select); coding-DNA position 3295, G replaced by A.
Protein change: p.Glu1099Lys; replaces glutamic acid 1099 with lysine.
Molecular consequence: missense variant.
Genome position (GRCh38, 1-based): chr4:1,961,074, G>A. VCF-style: chr4-1961074-G-A. GRCh37 (hg19) VCF-style: chr4-1962801-G-A.
Other names: c.3295G>A, p.Glu1099Lys (NM_133330.3, NM_133331.3, NM_133335.4); short protein forms E1099K.
Identifiers: ClinVar variation 638278 (VCV000638278.9), dbSNP rs772470710, ClinGen allele CA2812672.

ClinVar aggregate classification (germline): Conflicting classifications of pathogenicity. Review status: criteria provided, conflicting classifications (1 of 4 stars). 7 submissions from 6 submitters: Pathogenic (1); Likely pathogenic (3); Uncertain significance (2). 1 of the submissions does not count toward it. Last evaluated 2026-01-16.
ClinVar aggregate classification (somatic clinical impact): Tier II - Potential. Review status: criteria provided, single submitter (1 of 4 stars). 2 submissions from 1 submitter. Last evaluated 2023-10-12.

Conditions:
Macroglossia. Also called: Enlarged tongue; Giant tongue. Identifiers: Orphanet 156207, MedGen C0024421, MONDO:0015496, HP:0000158.
Clubfoot. Also called: Club foot; CLUBFOOT, CONGENITAL, WITH OR WITHOUT DEFICIENCY OF LONG BONES AND/OR MIRROR-IMAGE POLYDACTYLY; Clubfeet; congenital talipes equinovarus; Talipes equinovarus. Identifiers: Orphanet 199315, MedGen C0009081, MONDO:0007342, OMIM 119800, HP:0001762.
Anemia. Also called: Anemia (disease). Identifiers: MedGen C0002871, MONDO:0002280, HP:0001903.
Hypertrophic cardiomyopathy. Also called: HYPERTROPHIC MYOCARDIOPATHY. Identifiers: Orphanet 217569, MedGen C0007194, MeSH D002312, MONDO:0005045, HP:0001639.
Ventricular septal defect. Identifiers: MedGen C0018818, MONDO:0002070, HP:0001629.
Thrombocytopenia. Identifiers: MedGen C0040034, MeSH D013921, MONDO:0002049, HP:0001873.
Intracranial hemorrhage. Also called: Intracranial Hemorrhages; Intracranial bleed. Identifiers: MedGen C0151699, HP:0002170, MONDO:0005049.
Persistent patent ductus venosus. Identifiers: MedGen C4023072, HP:0012021.
Furrowed tongue. Also called: SCROTAL TONGUE; LINGUA PLICATA; Plicated tongue. Identifiers: MedGen C0040412, HP:0000221.
Enlarged kidney. Identifiers: MedGen C0542518, HP:0000105.
Hypoglycemia. Identifiers: MedGen C0020615, MONDO:0004946, HP:0001943.
Hepatomegaly. Identifiers: MedGen C0019209, HP:0002240.
Retrognathia. Also called: retrognathism. Identifiers: MedGen C0035353, HP:0000278.
Lymphoma. Identifiers: Orphanet 223735, MedGen C0024299, MeSH D008223, MONDO:0005062, HP:0002665.
Rauch-Steindl syndrome (RAUST). Identifiers: Orphanet 659642, MedGen C5562061, MONDO:0859219, OMIM 619695.
NSD2-related disorder. Also called: NSD2-related condition; NSD2 related disorders.
Neurodevelopmental delay. Identifiers: MedGen C4022738, HP:0012758.
Medulloblastoma WNT activated. Identifiers: MedGen C4331965, MONDO:0850196.
Precursor B-cell acute lymphoblastic leukemia. Also called: Pre-B-cell acute lymphoblastic leukemia; B Acute Lymphoblastic Leukemia. Identifiers: Orphanet 99860, MedGen C0349636, MONDO:0020511, HP:0004812.

Allele frequency attached by ClinVar (database versions not stated): gnomAD exomes below 0.00001; ExAC 0.00001.
gnomAD v4.1: 1 of 1,613,766 alleles (0.000062%); highest among the groups gnomAD compares: Non-Finnish European, 0.000085%; no homozygotes.

Submissions (9):

Variantyx, Inc.
Classification: Likely pathogenic for Rauch-Steindl syndrome. Last evaluated: 2026-01-16. Review status: criteria provided, single submitter. Criteria: Variantyx Assertion Criteria 2022. Collection method: clinical testing. Allele origin: de novo. Inheritance: Autosomal dominant inheritance. Affected: yes.
Comment: This is a nonsynonymous variant in the NSD2 gene (OMIM: 602952). Pathogenic variants in this gene have been associated with autosomal dominant Rauch-Steindl syndrome. This variant lies within a known hotspot for pathogenic variants or a well-established critical functional domain of the NSD2 protein (PMID: 33941880) (PM1), and multiple computational algorithms predict a deleterious effect for this variant (REVEL score: 0.701) (PP3). This variant has a 0.0001% maximum allele frequency in non-founder control populations (PM2). Based on the current evidence, this variant is classified as likely pathogenic for autosomal dominant Rauch-Steindl syndrome.

3billion
Classification: Likely pathogenic for NSD2-related disorder. Last evaluated: 2025-12-26. Review status: criteria provided, single submitter. Criteria: ACMG Guidelines, 2015. Collection method: clinical testing. Allele origin: germline. Affected: yes.
Comment: The variant is observed at an extremely low frequency in the gnomAD v4.1.0 dataset (total allele frequency: <0.001%). Predicted Consequence/Location: Missense variant. In silico tool predictions suggest damaging effect of the variant on gene or gene product [REVEL: 0.70 (>=0.6, sensitivity 0.68 and specificity 0.92); 3Cnet: 0.94 (> 0.75, sensitivity 0.96 and precision 0.92)]. The same nucleotide change resulting in the same amino acid change has been previously reported to be associated with NSD2-related disorder (ClinVar ID: VCV000638278 /PMID: 36189577).The variant has been previously reported as de novo in a similarly affected individual (PMID: 36189577). Therefore, this variant is classified as Likely pathogenic according to the recommendation of ACMG/AMP guideline.

Dasa
Classification: Likely pathogenic for Rauch-Steindl syndrome. Last evaluated: 2025-03-29. Review status: criteria provided, single submitter. Criteria: DASA Assertion Criteria. Collection method: clinical testing. Allele origin: germline.
Comment: NM_001042424.3(NSD2):c.3295G>A (p.Glu1099Lys) is a missense variant that results in the substitution of glutamic acid with lysine. This variant has been reported in individuals with NSD2-related disorders (PMID: 36189577). This variant has been reported as a de novo occurrence in an affected individual (PMID: 36189577). Functional evidence supports an impact on the gene or gene product (PMID: 36189577; PMID: 33941880). Also, this variant is rare in population databases. Computational evidence supports a deleterious effect. Based on the currently available evidence, this variant is classified as likely pathogenic.

Institute for Genomic Medicine (IGM) Clinical Laboratory, Nationwide Children's Hospital
Classification: Tier II - Potential for Precursor B-cell acute lymphoblastic leukemia. Assertion type: diagnostic. Clinical significance: supports diagnosis. Last evaluated: 2023-10-12. Review status: criteria provided, single submitter. Criteria: AMP/ASCO/CAP Guidelines, 2017. Collection method: clinical testing. Allele origin: somatic. Affected: yes.
Comment: Variant has Tier II (potential) clinical significance as a diagnostic inclusion criterion in precursor B-cell acute lymphoblastic leukemia, based on the following evidence: 1) Documented in one or more cancer databases (e.g., St. Jude Pecan, COSMIC, CIViC, OncoKB). 2) Information in the literature supports potential biologic effect of variant (PMIDs: 24076604, 23823660, 30171259). 3) Diagnostic significance based on multiple small studies (Evidence Level C; PMIDs: 24076604, 27872090, 24710217).

Institute for Genomic Medicine (IGM) Clinical Laboratory, Nationwide Children's Hospital
Classification: Tier II - Potential for Medulloblastoma WNT activated. Assertion type: diagnostic. Clinical significance: supports diagnosis. Last evaluated: 2023-08-22. Review status: criteria provided, single submitter. Criteria: AMP/ASCO/CAP Guidelines, 2017. Collection method: clinical testing. Allele origin: somatic. Affected: yes.
Comment: Variant has Tier II (potential) clinical significance as a diagnostic inclusion criterion in medulloblastoma WNT activated, based on the following evidence: 1) Documented in one or more cancer databases (e.g., St. Jude Pecan, COSMIC, CIViC, OncoKB). 2) Information in the literature supports potential biologic effect of variant (PMID: 24076604). 3) Assists in diagnosis alone or along with other biomarkers based on small studies or few case reports (Evidence Level D; PMIDs: 24710217, 24076604, 30171259).

Institute of Human Genetics Munich, TUM University Hospital
Classification: Pathogenic for Persistent patent ductus venosus; Retrognathia; Anemia; Macroglossia; Enlarged kidney; Intracranial hemorrhage; Ventricular septal defect; Clubfoot; Hypoglycemia; Furrowed tongue; Thrombocytopenia; Hypertrophic cardiomyopathy; Hepatomegaly. Last evaluated: 2019-07-08. Review status: criteria provided, single submitter. Criteria: Classification criteria August 2017. Collection method: clinical testing. Allele origin: de novo. Inheritance: Autosomal dominant inheritance. Affected: yes. Observed: 1 variant allele.

Institute of Human Genetics, University of Leipzig Medical Center
Classification: Uncertain significance for Rauch-Steindl syndrome. Last evaluated: 2019-04-01. Review status: criteria provided, single submitter. Criteria: ACMG Guidelines, 2015. Collection method: clinical testing. Allele origin: de novo. Inheritance: Autosomal dominant inheritance. Affected: yes.
Comment: published in PMID: 36189577

Institute of Human Genetics, University of Leipzig Medical Center
Classification: Uncertain significance for Neurodevelopmental delay. Last evaluated: 2018-08-27. Review status: criteria provided, single submitter. Criteria: ACMG Guidelines, 2015. Collection method: clinical testing. Allele origin: germline. Affected: yes. Observed: 1 variant allele.

Xiao lab, Department of Pathology, Memorial Sloan Kettering Cancer Center
Classification: Uncertain significance for Lymphoma. Last evaluated: 2019-07-25. Review status: no assertion criteria provided. Collection method: clinical testing. Allele origin: somatic. Affected: yes. Not counted in ClinVar's aggregate classification.

Literature cited by the submitters: PubMed 36189577 (cited by 3 submitters); PubMed 33941880 (cited by Variantyx, Inc. and Dasa); PubMed 24076604 (cited by Institute for Genomic Medicine (IGM) Clinical Laboratory, Nationwide Children's Hospital); PubMed 23823660 (cited by Institute for Genomic Medicine (IGM) Clinical Laboratory, Nationwide Children's Hospital); PubMed 30171259 (cited by Institute for Genomic Medicine (IGM) Clinical Laboratory, Nationwide Children's Hospital); PubMed 27872090 (cited by Institute for Genomic Medicine (IGM) Clinical Laboratory, Nationwide Children's Hospital); PubMed 24710217 (cited by Institute for Genomic Medicine (IGM) Clinical Laboratory, Nationwide Children's Hospital).